The following is an entry in ClinVar:

ClinVar aggregate classification (germline): Uncertain significance (1 of 4 stars; one submission).

Conditions:
Cardiovascular phenotype. Identifiers: MedGen CN230736.

Allele frequency attached by ClinVar (database versions not stated): ExAC 0.00001; gnomAD exomes 0.00001.

Submission:

Ambry Genetics
Classification: Uncertain significance for Cardiovascular phenotype. Last evaluated: 2019-09-21. Review status: criteria provided, single submitter. Criteria: Ambry Variant Classification Scheme 2023. Collection method: clinical testing. Allele origin: germline.
Comment: The p.R5895Q variant (also known as c.17684G>A), located in coding exon 70 of the TTN gene, results from a G to A substitution at nucleotide position 17684. The arginine at codon 5895 is replaced by glutamine, an amino acid with highly similar properties. This amino acid position is well conserved in available vertebrate species. In addition, this alteration is predicted to be tolerated by in silico analysis. Since supporting evidence is limited at this time, the clinical significance of this alteration remains unclear.

NM_001267550.2(TTN):c.44879G>A (p.Arg14960Gln)

Gene: TTN (titin; minus strand). Cytogenetic location: 2q31.2.
Variant type: single nucleotide variant.
Coding change: c.44879G>A on transcript NM_001267550.2 (MANE Select); coding-DNA position 44879, G replaced by A.
Protein change: p.Arg14960Gln; replaces arginine 14960 with glutamine.
Molecular consequence: missense variant.
Genome position (GRCh38, 1-based): chr2:178,622,704, C>T on the plus strand (G>A on the coding strand, the complement: TTN is on the minus strand). VCF-style: chr2-178622704-C-T. GRCh37 (hg19) VCF-style: chr2-179487431-C-T.
Other names: c.39956G>A, p.Arg13319Gln (NM_001256850.1); c.17684G>A, p.Arg5895Gln (NM_003319.4); c.37175G>A, p.Arg12392Gln (NM_133378.4); c.18059G>A, p.Arg6020Gln (NM_133432.3); c.18260G>A, p.Arg6087Gln (NM_133437.4); short protein forms R13319Q, R5895Q, R12392Q, R6087Q, R14960Q, R6020Q.
Identifiers: ClinVar variation 1779715 (VCV001779715.2), dbSNP rs764153170, ClinGen allele CA1995548.